The following is an entry in ClinVar:

ClinVar aggregate classification (germline): Likely pathogenic (1 of 4 stars; one submission).

Conditions:
Ichthyosis vulgaris. Also called: Dominant ichthyosis vulgaris; ICHTHYOSIS SIMPLEX. Identifiers: MedGen C0079584, MONDO:0024304, OMIM 146700.

Allele frequency attached by ClinVar (database versions not stated): TOPMed 0.00001.
gnomAD v4.1: 1 of 1,614,088 alleles (0.000062%); no homozygotes.

Submission:

Division Of Personalized Genomic Medicine, Columbia University Irving Medical Center
Classification: Likely pathogenic for Ichthyosis vulgaris. Last evaluated: 2019-12-09. Review status: criteria provided, single submitter. Criteria: ACMG Guidelines, 2015. Collection method: clinical testing. Allele origin: maternal. Inheritance: Autosomal recessive inheritance. Affected: yes. Observed: 1 compound heterozygote.
Comment: The c.5014C>T variant in the FLG gene is a nonsense variant which results in a premature termination codon at amino acid 1672/4062 (coding exon 3/3, NM_002016.1). This variant has not been observed in the Genome Aggregation Database (gnomAD), indicating it is not a common benign variant in the populations represented in this database. To the best of our knowledge, this specific variant has not been reported in the literature, ClinVar and HGMD databases. However, several truncating variants resulting in a premature termination codon closer to the C-terminus have been described as disease causing.

NM_002016.2(FLG):c.5014C>T (p.Gln1672Ter)

Genes: FLG (filaggrin; minus strand), CCDST (cervical cancer associated DHX9 suppressive transcript; plus strand). Cytogenetic location: 1q21.3.
Variant type: single nucleotide variant.
Coding change: c.5014C>T on transcript NM_002016.2 (MANE Select); coding-DNA position 5014, C replaced by T.
Protein change: p.Gln1672Ter; replaces glutamine 1672 with a stop codon.
Molecular consequence: nonsense.
Genome position (GRCh38, 1-based): chr1:152,309,872, G>A on the plus strand (C>T on the coding strand, the complement: FLG is on the minus strand). VCF-style: chr1-152309872-G-A. GRCh37 (hg19) VCF-style: chr1-152282348-G-A.
Other names: short protein forms Q1672*.
Identifiers: ClinVar variation 2581070 (VCV002581070.2), dbSNP rs1428723338, ClinGen allele CA342069732.
Genomic context (GRCh38, chr1:152,309,872, plus strand): 5'-AGCTGTCTGCTGACTGCTGGTGGCGGGATCCATGTCTTTCTCCTGGACTTGACCTTGCCT[G>A]TTCCTGGGATGATGCAGCCTGTCCACCAGAGGAAGTCTCTGCATGACGAGTGCCTGATTG-3'